The following is an entry in ClinVar:

NM_006231.4(POLE):c.238A>C (p.Ser80Arg)

Gene: POLE (DNA polymerase epsilon, catalytic subunit; minus strand). Cytogenetic location: 12q24.33.
Variant type: single nucleotide variant.
Coding change: c.238A>C on transcript NM_006231.4 (MANE Select); coding-DNA position 238, A replaced by C.
Protein change: p.Ser80Arg; replaces serine 80 with arginine.
Molecular consequence: missense variant.
Genome position (GRCh38, 1-based): chr12:132,680,654, T>G on the plus strand (A>C on the coding strand, the complement: POLE is on the minus strand). VCF-style: chr12-132680654-T-G. GRCh37 (hg19) VCF-style: chr12-133257240-T-G.
Other names: short protein forms S80R.
Identifiers: ClinVar variation 2010738 (VCV002010738.4), dbSNP rs2542194123, ClinGen allele CA387369209.

ClinVar aggregate classification (germline): Uncertain significance (1 of 4 stars; one submission).

Submission:

Labcorp Genetics (formerly Invitae), Labcorp
Classification: Uncertain significance. Last evaluated: 2022-06-26. Review status: criteria provided, single submitter. Criteria: Invitae Variant Classification Sherloc (09022015). Collection method: clinical testing. Allele origin: germline.
Comment: This sequence change replaces serine, which is neutral and polar, with arginine, which is basic and polar, at codon 80 of the POLE protein (p.Ser80Arg). This variant is not present in population databases (gnomAD no frequency). This variant has not been reported in the literature in individuals affected with POLE-related conditions. Algorithms developed to predict the effect of missense changes on protein structure and function are either unavailable or do not agree on the potential impact of this missense change (SIFT: "Deleterious"; PolyPhen-2: "Probably Damaging"; Align-GVGD: "Class C0"). In summary, the available evidence is currently insufficient to determine the role of this variant in disease. Therefore, it has been classified as a Variant of Uncertain Significance.